The following is an entry in ClinVar:

ClinVar aggregate classification (germline): Uncertain significance (1 of 4 stars; one submission).

Conditions:
Ataxia-telangiectasia syndrome (AT). Also called: ATAXIA-TELANGIECTASIA, COMPLEMENTATION GROUP A; ATAXIA-TELANGIECTASIA, FRESNO VARIANT; LOUIS-BAR SYNDROME; Ataxia-telangiectasia; Cerebello-oculocutaneous telangiectasia; Immunodeficiency with ataxia telangiectasia. Identifiers: Orphanet 100, MedGen C0004135, MONDO:0008840, OMIM 208900.

Submission:

Labcorp Genetics (formerly Invitae), Labcorp
Classification: Uncertain significance for Ataxia-telangiectasia syndrome. Last evaluated: 2021-06-14. Review status: criteria provided, single submitter. Criteria: Invitae Variant Classification Sherloc (09022015). Collection method: clinical testing. Allele origin: germline.
Comment: This sequence change falls in intron 24 of the ATM gene. It does not directly change the encoded amino acid sequence of the ATM protein. It affects a nucleotide within the consensus splice site of the intron. This variant is not present in population databases (ExAC no frequency). This variant has not been reported in the literature in individuals with ATM-related conditions. Nucleotide substitutions within the consensus splice site are a relatively common cause of aberrant splicing (PMID: 17576681, 9536098). Algorithms developed to predict the effect of sequence changes on RNA splicing suggest that this variant may disrupt the consensus splice site, but this prediction has not been confirmed by published transcriptional studies. In summary, the available evidence is currently insufficient to determine the role of this variant in disease. Therefore, it has been classified as a Variant of Uncertain Significance.

Literature cited by the submitters: PubMed 17576681; PubMed 9536098.

NM_000051.4(ATM):c.3577-3C>G

Gene: ATM (ATM serine/threonine kinase; plus strand). Cytogenetic location: 11q22.3.
Variant type: single nucleotide variant.
Coding change: c.3577-3C>G on transcript NM_000051.4 (MANE Select); 3 bases into the intron before coding-DNA position 3577, C replaced by G.
Molecular consequence: intron variant.
Genome position (GRCh38, 1-based): chr11:108,282,707, C>G. VCF-style: chr11-108282707-C-G. GRCh37 (hg19) VCF-style: chr11-108153434-C-G.
Other names: c.3577-3C>G (NM_001351834.2).
Identifiers: ClinVar variation 1483500 (VCV001483500.6), dbSNP rs876659700, ClinGen allele CA2573146535.
Genomic context (GRCh38, chr11:108,282,707, plus strand): 5'-CAAGCATTTAAATGATTTATTTTTTTCATTTTTCTTAACACATTGACTTTTTGGTTCGTG[C>G]AGGTTTTAGAGAAAGTTTCTGAAACTTTTGGATATAGACGTTTAGAAGACTTTATGGCAT-3'